The following is an entry in ClinVar:

NM_014285.7(EXOSC2):c.878G>A (p.Gly293Glu)

Gene: EXOSC2 (exosome component 2; plus strand). Cytogenetic location: 9q34.12.
Variant type: single nucleotide variant.
Coding change: c.878G>A on transcript NM_014285.7 (MANE Select); coding-DNA position 878, G replaced by A.
Protein change: p.Gly293Glu; replaces glycine 293 with glutamic acid.
Molecular consequence: missense variant. On other transcripts: non-coding transcript variant (1).
Genome position (GRCh38, 1-based): chr9:130,703,770, G>A. VCF-style: chr9-130703770-G-A. GRCh37 (hg19) VCF-style: chr9-133579157-G-A.
Other names: c.800G>A, p.Gly267Glu (NM_001282708.1); c.788G>A, p.Gly263Glu (NM_001282709.1); c.878G>A (NM_014285.5); short protein forms G263E, G293E, G267E.
Identifiers: ClinVar variation 2189570 (VCV002189570.4), dbSNP rs745643416, ClinGen allele CA5285013.
Genomic context (GRCh38, chr9:130,703,770, plus strand): 5'-AGCCAGAAATAATGGAGGAGATTGTGATGGAAACACGCCAGAGGCTTTTGGAACAGGAGG[G>A]ATAAGGAGGTGCTCCAGAAGCACGGGACTGTGGACCTTGCAGGAGTGAAGACTGTGATGT-3'
Protein context (NP_055100.2, residues 283-293): ETRQRLLEQE[Gly293Glu]

ClinVar aggregate classification (germline): Uncertain significance. Review status: criteria provided, multiple submitters, no conflicts (2 of 4 stars). 2 submissions from 2 submitters: Uncertain significance (2). Last evaluated 2025-02-08.

Allele frequency attached by ClinVar (database versions not stated): gnomAD exomes below 0.00001; ExAC 0.00001; gnomAD 0.00005; TOPMed 0.00005.
gnomAD v4.1: 10 of 1,613,096 alleles (0.00062%); highest among the groups gnomAD compares: African/African-American, 0.011%; no homozygotes.

Submissions (2):

Ambry Genetics
Classification: Uncertain significance. Last evaluated: 2025-02-08. Review status: criteria provided, single submitter. Criteria: Ambry Variant Classification Scheme 2023. Collection method: clinical testing. Allele origin: germline.

Labcorp Genetics (formerly Invitae), Labcorp
Classification: Uncertain significance. Last evaluated: 2022-07-15. Review status: criteria provided, single submitter. Criteria: Invitae Variant Classification Sherloc (09022015). Collection method: clinical testing. Allele origin: germline.
Comment: This sequence change replaces glycine, which is neutral and non-polar, with glutamic acid, which is acidic and polar, at codon 293 of the EXOSC2 protein (p.Gly293Glu). This variant is present in population databases (rs745643416, gnomAD 0.01%). This variant has not been reported in the literature in individuals affected with EXOSC2-related conditions. Algorithms developed to predict the effect of missense changes on protein structure and function (SIFT, PolyPhen-2, Align-GVGD) all suggest that this variant is likely to be tolerated. In summary, the available evidence is currently insufficient to determine the role of this variant in disease. Therefore, it has been classified as a Variant of Uncertain Significance.